The following is an entry in ClinVar:

ClinVar aggregate classification (germline): Conflicting classifications of pathogenicity. Review status: criteria provided, conflicting classifications (1 of 4 stars). 7 submissions from 7 submitters: Uncertain significance (4); Benign (1); Likely benign (2). Last evaluated 2025-12-17.

Conditions:
Cardiovascular phenotype. Identifiers: MedGen CN230736.
Dilated cardiomyopathy 1G (CMD1G). Identifiers: Orphanet 154, MedGen C1858763, MONDO:0011400, OMIM 604145.
Autosomal recessive limb-girdle muscular dystrophy type 2J (LGMDR10). Also called: Limb-girdle muscular dystrophy, type 2J; MUSCULAR DYSTROPHY, LIMB-GIRDLE, AUTOSOMAL RECESSIVE 10. Identifiers: Orphanet 140922, MedGen C1837342, MONDO:0012127, OMIM 608807.
Cardiomyopathy (CMYO). Also called: Cardiomyopathies. Identifiers: Orphanet 167848, MedGen C0878544, MONDO:0004994, HP:0001638. Inheritance: Various modes of inheritance.

Allele frequency attached by ClinVar (database versions not stated): gnomAD below 0.00001 and 0.00007; TOPMed below 0.00001; gnomAD exomes 0.00010 and 0.00021; ExAC 0.00026; 1000 Genomes Project 30x 0.00031; 1000 Genomes Project 0.00040.
gnomAD v4.1: 157 of 1,613,224 alleles (0.0097%); highest among the groups gnomAD compares: South Asian, 0.16%; 1 homozygote.

Submissions (7):

Labcorp Genetics (formerly Invitae), Labcorp
Classification: Likely benign for Dilated cardiomyopathy 1G; Autosomal recessive limb-girdle muscular dystrophy type 2J. Last evaluated: 2025-12-17. Review status: criteria provided, single submitter. Criteria: Invitae Variant Classification Sherloc (09022015). Collection method: clinical testing. Allele origin: germline.

Revvity Omics, Revvity
Classification: Uncertain significance. Last evaluated: 2022-12-21. Review status: criteria provided, single submitter. Criteria: ACMG Guidelines, 2015. Collection method: clinical testing. Allele origin: germline.

Athena Diagnostics
Classification: Likely benign. Last evaluated: 2020-02-26. Review status: criteria provided, single submitter. Criteria: Athena Diagnostics Criteria. Collection method: clinical testing. Allele origin: unknown.

CHEO Genetics Diagnostic Laboratory, Children's Hospital of Eastern Ontario
Classification: Benign for Cardiomyopathy. Last evaluated: 2018-02-20. Review status: criteria provided, single submitter. Criteria: ACMG Guidelines, 2015. Collection method: clinical testing. Allele origin: germline.

GeneDx
Classification: Uncertain significance. Last evaluated: 2015-12-07. Review status: criteria provided, single submitter. Criteria: GeneDx Variant Classification (06012015). Collection method: clinical testing. Allele origin: germline. Affected: yes.

Ambry Genetics
Classification: Uncertain significance for Cardiovascular phenotype. Last evaluated: 2013-11-20. Review status: criteria provided, single submitter. Criteria: Ambry Autosomal Dominant and X-Linked criteria (10/2015). Collection method: clinical testing. Allele origin: germline. Observed: 1 variant allele.
Comment: The p.T20353I variant (also known as c.61058C>T) is located in coding exon 271 of the TTN gene. This alteration results from a C to T substitution at nucleotide position 61058. The threonine at codon 20353 is replaced by isoleucine, an amino acid with similar properties. This variant was not reported in population-based cohorts in the following databases: Database of Single Nucleotide Polymorphisms (dbSNP), the 1000 Genomes Project and the NHLBI Exome Sequencing Project (ESP). In the ESP, this variant was not reported in 6030 samples (12060 alleles) with coverage at this position. Based on protein sequence alignment, this amino acid position is not conserved in available vertebrate species, with isoleucine as the reference amino acid in two species. In addition, this alteration is predicted to be benignby PolyPhen in silico analysis. Since supporting evidence is limited at this time, the clinical significance of this variant remains unclear.

Laboratory for Molecular Medicine, Mass General Brigham Personalized Medicine
Classification: Uncertain significance. Last evaluated: 2013-07-18. Review status: criteria provided, single submitter. Criteria: LMM Criteria. Collection method: clinical testing. Allele origin: germline. Observed: 1 variant allele.
Comment: The Thr20353Ile variant in TTN has not been reported in individuals with cardiom yopathy or in large population studies. Computational analyses (biochemical amin o acid properties, AlignGVGD, PolyPhen2, and SIFT) do not provide strong support for or against an impact to the protein, though 1 mammal, dolphin, carries an i soleucine (Ile, this variant), raising the possibility that this change may be t olerated. Additional information is needed to fully assess the clinical signific ance of this variant.

NM_001267550.2(TTN):c.68762C>T (p.Thr22921Ile)

Genes: TTN (titin; minus strand), TTN-AS1 (TTN antisense RNA 1; plus strand). Cytogenetic location: 2q31.2.
Variant type: single nucleotide variant.
Coding change: c.68762C>T on transcript NM_001267550.2 (MANE Select); coding-DNA position 68762, C replaced by T.
Protein change: p.Thr22921Ile; replaces threonine 22921 with isoleucine.
Molecular consequence: missense variant.
Genome position (GRCh38, 1-based): chr2:178,577,664, G>A on the plus strand (C>T on the coding strand, the complement: TTN is on the minus strand). VCF-style: chr2-178577664-G-A. GRCh37 (hg19) VCF-style: chr2-179442391-G-A.
Other names: p.T20353I:ACA>ATA; c.63839C>T, p.Thr21280Ile (NM_001256850.1); c.61058C>T, p.Thr20353Ile (NM_133378.4); c.41567C>T, p.Thr13856Ile (NM_003319.4); c.41942C>T, p.Thr13981Ile (NM_133432.3); c.42143C>T, p.Thr14048Ile (NM_133437.4); short protein forms T20353I, T22921I, T21280I, T13856I, T13981I, T14048I.
Identifiers: ClinVar variation 178998 (VCV000178998.24), dbSNP rs534567766, ClinGen allele CA183458.
Genomic context (GRCh38, chr2:178,577,664, plus strand): 5'-TATTCATCCTTGCAAATAATGGTTTCTGTACTTTCTGATGGAGCACTGATAGCACCTGCT[G>A]TATTCTTTGCTCTAATTCTGAATTCATATTTTCCACCCTCAACAAGGTCAGTTACAGTAA-3'
Protein context (NP_001254479.2, residues 22911-22931): KYEFRIRAKN[Thr22921Ile]AGAISAPSES